The following is an entry in ClinVar:

NM_001042492.3(NF1):c.2521_2524dup (p.Gly842fs)

Gene: NF1 (neurofibromin 1; plus strand). Cytogenetic location: 17q11.2.
Variant type: Duplication.
Coding change: c.2521_2524dup on transcript NM_001042492.3 (MANE Select); coding-DNA positions 2521 to 2524, 4 bases duplicated (ACTG; older notation c.2521_2524dupACTG).
Protein change: p.Gly842fs; shifts the reading frame from glycine 842.
Molecular consequence: frameshift variant.
Genome position (GRCh38, 1-based): chr17:31,229,136-31,229,139, ACTG duplicated; duplicating any 4 consecutive bases within chr17:31,229,134-31,229,139 gives the same sequence; the c. name uses the placement nearest the transcript's 3' end. VCF-style (leftmost placement, unchanged base first): chr17-31229133-A-ATGAC. GRCh37 (hg19) VCF-style: chr17-29556151-A-ATGAC.
Other names: c.2521_2524dup, p.Gly842Aspfs (NM_000267.4); short protein forms G842fs.
Identifiers: ClinVar variation 965882 (VCV000965882.6), dbSNP rs2067066922, ClinGen allele CA1139665434.
Genomic context (GRCh38, chr17:31,229,133, plus strand): 5'-GTGAGTGGAGGAGGATCCATAGATTTGTCTGACACAGACTCCCTACAGGAATGGATCAAC[A>ATGAC]TGACTGGCTTCCTTTGTGCCCTTGGGGGAGTGTGCCTCCAGCAGAGAAGCAATTCTGGCC-3'

ClinVar aggregate classification (germline): Pathogenic (1 of 4 stars; one submission).

Conditions:
Neurofibromatosis, type 1 (NF1). Also called: Neurofibromatosis, type I; Peripheral type neurofibromatosis; VON RECKLINGHAUSEN DISEASE; NEUROFIBROMATOSIS, TYPE I, SOMATIC. Identifiers: Orphanet 636, MedGen C0027831, MONDO:0018975, OMIM 162200. Disease mechanism: loss of function.

Submission:

Labcorp Genetics (formerly Invitae), Labcorp
Classification: Pathogenic for Neurofibromatosis, type 1. Last evaluated: 2019-10-04. Review status: criteria provided, single submitter. Criteria: Invitae Variant Classification Sherloc (09022015). Collection method: clinical testing. Allele origin: germline.
Comment: This variant is not present in population databases (ExAC no frequency). This sequence change creates a premature translational stop signal (p.Gly842Aspfs*24) in the NF1 gene. It is expected to result in an absent or disrupted protein product. This variant has not been reported in the literature in individuals with NF1-related conditions. Loss-of-function variants in NF1 are known to be pathogenic (PMID: 10712197, 23913538). For these reasons, this variant has been classified as Pathogenic.

Literature cited by the submitters: PubMed 10712197; PubMed 23913538.